The following is an entry in ClinVar:

NM_080680.3(COL11A2):c.3563C>A (p.Ala1188Asp)

Gene: COL11A2 (collagen type XI alpha 2 chain; minus strand). Cytogenetic location: 6p21.32.
Variant type: single nucleotide variant.
Coding change: c.3563C>A on transcript NM_080680.3 (MANE Select); coding-DNA position 3563, C replaced by A.
Protein change: p.Ala1188Asp; replaces alanine 1188 with aspartic acid.
Molecular consequence: missense variant.
Genome position (GRCh38, 1-based): chr6:33,170,345, G>T on the plus strand (C>A on the coding strand, the complement: COL11A2 is on the minus strand). VCF-style: chr6-33170345-G-T. GRCh37 (hg19) VCF-style: chr6-33138122-G-T.
Other names: c.3242C>A, p.Ala1081Asp (NM_080679.3); c.3305C>A, p.Ala1102Asp (NM_080681.3); short protein forms A1081D, A1102D, A1188D.
Identifiers: ClinVar variation 1308390 (VCV001308390.2), dbSNP rs2150539389, ClinGen allele CA363629628.

ClinVar aggregate classification (germline): Uncertain significance (1 of 4 stars; one submission).

Submission:

GeneDx
Classification: Uncertain significance. Last evaluated: 2019-06-26. Review status: criteria provided, single submitter. Criteria: GeneDx Variant Classification Process June 2021. Collection method: clinical testing. Allele origin: germline. Affected: yes.
Comment: Has not been previously published as pathogenic or benign to our knowledge; Not observed in large population cohorts (Lek et al., 2016); In silico analysis, which includes protein predictors and evolutionary conservation, supports that this variant does not alter protein structure/function